The following is an entry in ClinVar:

NM_000492.4(CFTR):c.88C>T (p.Gln30Ter)

Gene: CFTR (CF transmembrane conductance regulator; plus strand). Cytogenetic location: 7q31.2.
Variant type: single nucleotide variant.
Coding change: c.88C>T on transcript NM_000492.4 (MANE Select); coding-DNA position 88, C replaced by T.
Protein change: p.Gln30Ter; replaces glutamine 30 with a stop codon.
Molecular consequence: nonsense.
Genome position (GRCh38, 1-based): chr7:117,504,287, C>T. VCF-style: chr7-117504287-C-T. GRCh37 (hg19) VCF-style: chr7-117144341-C-T.
Other names: short protein forms Q30*.
Identifiers: ClinVar variation 54081 (VCV000054081.5), dbSNP rs397508815, ClinGen allele CA327685.
Genomic context (GRCh38, chr7:117,504,287, plus strand): 5'-ATCTGTTCCTCCTCTCTTTATTTTAGCTGGACCAGACCAATTTTGAGGAAAGGATACAGA[C>T]AGCGCCTGGAATTGTCAGACATATACCAAATCCCTTCTGTTGATTCTGCTGACAATCTAT-3'

ClinVar aggregate classification (germline): Pathogenic. Review status: reviewed by expert panel (3 of 4 stars). 4 submissions from 4 submitters: Pathogenic (1). 3 of the submissions do not count toward it. Last evaluated 2017-12-08.

Conditions:
CFTR-related disorder (CFTR-RD). Also called: CFTR-related disorders; CFTR-related condition. Identifiers: MedGen C5924204, MONDO:7770004.
Cystic fibrosis (CF). Also called: MUCOVISCIDOSIS. Identifiers: Orphanet 586, MedGen C0010674, MONDO:0009061, OMIM 219700. Disease mechanism: loss of function.

Submissions (4):

CFTR2
Classification: Pathogenic for Cystic fibrosis. Last evaluated: 2017-12-08. Review status: reviewed by expert panel. Criteria: Sosnay PR et al. (Nat Genet 2013). Collection method: research. Allele origin: germline. Affected: yes.

Ambry Genetics
Classification: Pathogenic for Cystic fibrosis. Last evaluated: 2015-08-14. Review status: criteria provided, single submitter. Criteria: Ambry Variant Classification Scheme 2023. Collection method: clinical testing. Allele origin: germline. Not counted in ClinVar's aggregate classification.
Comment: The p.Q30* pathogenic mutation (also known as c.88C>T), located in coding exon 2 of the CFTR gene, results from a C to T substitution at nucleotide position 88. This changes the amino acid from a glutamine to a stop codon within coding exon 2. In addition to the clinical data presented in the literature, since premature stop codons are typically deleterious in nature, this alteration is interpreted as a disease-causing mutation (ACMG Recommendations for Standards for Interpretation and Reporting of Sequence Variations. Revision 2007. Genet Med. 2008;10:294).

Natera, Inc.
Classification: Pathogenic for CFTR-related disorders. Last evaluated: 2017-03-17. Review status: no assertion criteria provided. Collection method: clinical testing. Allele origin: germline. Not counted in ClinVar's aggregate classification.

ClinVar Staff, National Center for Biotechnology Information (NCBI)
No classification provided. Condition: CFTR-related disorders. Review status: no classification provided. Collection method: literature only. Allele origin: germline. Affected: yes. Not counted in ClinVar's aggregate classification.

Literature cited by the submitters: PubMed 7517264 (cited by Ambry Genetics); PubMed 17331079 (cited by ClinVar Staff, National Center for Biotechnology Information (NCBI)).